The following is an entry in ClinVar:

NM_172232.4(ABCA5):c.3144+4dup

Gene: ABCA5 (ATP binding cassette subfamily A member 5; minus strand). Cytogenetic location: 17q24.3.
Variant type: Duplication.
Coding change: c.3144+4dup on transcript NM_172232.4 (MANE Select); 4 bases into the intron after coding-DNA position 3144, one base duplicated (A; older notation c.3144+4dupA).
Molecular consequence: intron variant.
Genome position (GRCh38, 1-based): chr17:69,267,939, T duplicated on the plus strand (A on the coding strand, the reverse complement: ABCA5 is on the minus strand); the first of 2 consecutive T bases (chr17:69,267,939-69,267,940); duplicating either gives the same sequence. VCF-style (leftmost placement, unchanged base first): chr17-69267938-A-AT. GRCh37 (hg19) VCF-style: chr17-67264079-A-AT.
Other names: c.3144+4dup (NM_018672.5).
Identifiers: ClinVar variation 3042353 (VCV003042353.19), dbSNP rs542122221, ClinGen allele CA8737114.

ClinVar aggregate classification (germline): Likely benign. Review status: criteria provided, single submitter (1 of 4 stars). 2 submissions from 2 submitters: Likely benign (1). 1 of the submissions does not count toward it. Last evaluated 2026-08-01.

Conditions:
ABCA5-related disorder. Also called: ABCA5-related condition.

Submissions (2):

CeGaT Center for Human Genetics Tuebingen
Classification: Likely benign. Last evaluated: 2026-08-01. Review status: criteria provided, single submitter. Criteria: CeGaT Center For Human Genetics Tuebingen Variant Classification Criteria Version 2. Collection method: clinical testing. Allele origin: germline. Affected: yes. Observed: 2 variant alleles.
Comment: ABCA5: BP4, BS2

PreventionGenetics, part of Exact Sciences
Classification: Likely benign for ABCA5-related condition. Last evaluated: 2019-03-30. Review status: no assertion criteria provided. Collection method: clinical testing. Allele origin: germline. Not counted in ClinVar's aggregate classification.
Comment: This variant is classified as likely benign based on ACMG/AMP sequence variant interpretation guidelines (Richards et al. 2015 PMID: 25741868, with internal and published modifications).